The following is an entry in ClinVar:

NM_004281.4(BAG3):c.1537A>G (p.Ser513Gly)

Gene: BAG3 (BAG cochaperone 3; plus strand). Cytogenetic location: 10q26.11.
Variant type: single nucleotide variant.
Coding change: c.1537A>G on transcript NM_004281.4 (MANE Select); coding-DNA position 1537, A replaced by G.
Protein change: p.Ser513Gly; replaces serine 513 with glycine.
Molecular consequence: missense variant.
Genome position (GRCh38, 1-based): chr10:119,677,091, A>G. VCF-style: chr10-119677091-A-G. GRCh37 (hg19) VCF-style: chr10-121436603-A-G.
Other names: short protein forms S513G.
Identifiers: ClinVar variation 2066517 (VCV002066517.4), dbSNP rs1178407759, ClinGen allele CA378297537.

ClinVar aggregate classification (germline): Uncertain significance (1 of 4 stars; one submission).

Conditions:
Myofibrillar myopathy 6. Identifiers: Orphanet 199340, MedGen C2751831, MONDO:0013061, OMIM 612954.
Dilated cardiomyopathy 1HH (CMD1HH). Identifiers: Orphanet 154, MedGen C3151293, MONDO:0013479, OMIM 613881.

Allele frequency attached by ClinVar (database versions not stated): TOPMed below 0.00001; gnomAD 0.00001.

Submission:

Labcorp Genetics (formerly Invitae), Labcorp
Classification: Uncertain significance for Dilated cardiomyopathy 1HH; Myofibrillar myopathy 6. Last evaluated: 2022-06-13. Review status: criteria provided, single submitter. Criteria: Invitae Variant Classification Sherloc (09022015). Collection method: clinical testing. Allele origin: germline.
Comment: In summary, the available evidence is currently insufficient to determine the role of this variant in disease. Therefore, it has been classified as a Variant of Uncertain Significance. Algorithms developed to predict the effect of missense changes on protein structure and function output the following: SIFT: "Deleterious"; PolyPhen-2: "Not Available"; Align-GVGD: "Class C0". The glycine amino acid residue is found in multiple mammalian species, which suggests that this missense change does not adversely affect protein function. This variant has not been reported in the literature in individuals affected with BAG3-related conditions. This variant is present in population databases (no rsID available, gnomAD 0.007%). This sequence change replaces serine, which is neutral and polar, with glycine, which is neutral and non-polar, at codon 513 of the BAG3 protein (p.Ser513Gly).